The following is an entry in ClinVar:

NM_001040108.2(MLH3):c.3G>A (p.Met1Ile)

Gene: MLH3 (mutL homolog 3; minus strand). Cytogenetic location: 14q24.3.
Variant type: single nucleotide variant.
Coding change: c.3G>A on transcript NM_001040108.2 (MANE Select); coding-DNA position 3, G replaced by A.
Protein change: p.Met1Ile; changes the start codon (methionine 1).
Molecular consequence: missense variant, initiator codon variant.
Genome position (GRCh38, 1-based): chr14:75,049,653, C>T on the plus strand (G>A on the coding strand, the complement: MLH3 is on the minus strand). VCF-style: chr14-75049653-C-T. GRCh37 (hg19) VCF-style: chr14-75516356-C-T.
Other names: c.3G>A, p.Met1Ile (NM_014381.3); short protein forms M1I.
Identifiers: ClinVar variation 937473 (VCV000937473.10), dbSNP rs1228816377, ClinGen allele CA390452875.

ClinVar aggregate classification (germline): Uncertain significance (1 of 4 stars; one submission).

Conditions:
Colorectal cancer, hereditary nonpolyposis, type 7. Identifiers: Orphanet 144, MedGen C1858380, MONDO:0013725, OMIM 614385.

Allele frequency attached by ClinVar (database versions not stated): gnomAD exomes below 0.00001; TOPMed below 0.00001; gnomAD 0.00001.

Submission:

Labcorp Genetics (formerly Invitae), Labcorp
Classification: Uncertain significance for Colorectal cancer, hereditary nonpolyposis, type 7. Last evaluated: 2019-08-13. Review status: criteria provided, single submitter. Criteria: Invitae Variant Classification Sherloc (09022015). Collection method: clinical testing. Allele origin: germline.
Comment: This variant has not been reported in the literature in individuals with MLH3-related conditions. In summary, the available evidence is currently insufficient to determine the role of this variant in disease. Therefore, it has been classified as a Variant of Uncertain Significance. Experimental studies and prediction algorithms are not available or were not evaluated for this variant, and the functional significance of this variant is currently unknown. This variant is not present in population databases (ExAC no frequency). This sequence change affects the initiator methionine of the MLH3 mRNA. The next in-frame methionine is located at codon 47.